The following is an entry in ClinVar:

ClinVar aggregate classification (germline): Uncertain significance. Review status: criteria provided, multiple submitters, no conflicts (2 of 4 stars). 2 submissions from 2 submitters: Uncertain significance (2). Last evaluated 2026-03-23.

Conditions:
Generalized epilepsy with febrile seizures plus, type 7 (GEFSP7). Also called: GEFS+, TYPE 7. Identifiers: Orphanet 36387, MedGen C2751778, MONDO:0013470, OMIM 613863.
Neuropathy, hereditary sensory and autonomic, type 2A (HSAN2A). Also called: ACROOSTEOLYSIS, GIACCAI TYPE; ACROOSTEOLYSIS, NEUROGENIC; MORVAN DISEASE; NEUROPATHY, CONGENITAL SENSORY; NEUROPATHY, HEREDITARY SENSORY RADICULAR, AUTOSOMAL RECESSIVE; HSAN IIA. Identifiers: Orphanet 970, MedGen C2752089, MONDO:0024309, OMIM 201300.
Inborn genetic diseases. Identifiers: MedGen C0950123, MeSH D030342.

gnomAD v4.1: 1 of 1,608,272 alleles (0.000062%); highest among the groups gnomAD compares: Non-Finnish European, 0.000085%; no homozygotes.

Submissions (2):

Ambry Genetics
Classification: Uncertain significance for Inborn genetic diseases. Last evaluated: 2026-03-23. Review status: criteria provided, single submitter. Criteria: Ambry Variant Classification Scheme 2023. Collection method: clinical testing. Allele origin: germline.

Labcorp Genetics (formerly Invitae), Labcorp
Classification: Uncertain significance for Neuropathy, hereditary sensory and autonomic, type 2A; Generalized epilepsy with febrile seizures plus, type 7. Last evaluated: 2022-06-20. Review status: criteria provided, single submitter. Criteria: Invitae Variant Classification Sherloc (09022015). Collection method: clinical testing. Allele origin: germline.
Comment: Algorithms developed to predict the effect of missense changes on protein structure and function are either unavailable or do not agree on the potential impact of this missense change (SIFT: "Deleterious"; PolyPhen-2: "Probably Damaging"; Align-GVGD: "Class C0"). In summary, the available evidence is currently insufficient to determine the role of this variant in disease. Therefore, it has been classified as a Variant of Uncertain Significance. ClinVar contains an entry for this variant (Variation ID: 1064184). This variant has not been reported in the literature in individuals affected with SCN9A-related conditions. This variant is not present in population databases (gnomAD no frequency). This sequence change replaces glycine, which is neutral and non-polar, with valine, which is neutral and non-polar, at codon 308 of the SCN9A protein (p.Gly308Val).

NM_001365536.1(SCN9A):c.923G>T (p.Gly308Val)

Genes: SCN1A-AS1 (SCN1A and SCN9A antisense RNA 1; plus strand), SCN9A (sodium voltage-gated channel alpha subunit 9; minus strand). Cytogenetic location: 2q24.3.
Variant type: single nucleotide variant.
Coding change: c.923G>T on transcript NM_001365536.1 (MANE Select); coding-DNA position 923, G replaced by T.
Protein change: p.Gly308Val; replaces glycine 308 with valine.
Molecular consequence: missense variant. On other transcripts: non-coding transcript variant (1).
Genome position (GRCh38, 1-based): chr2:166,294,641, C>A on the plus strand (G>T on the coding strand, the complement: SCN9A is on the minus strand). VCF-style: chr2-166294641-C-A. GRCh37 (hg19) VCF-style: chr2-167151151-C-A.
Other names: c.923G>T, p.Gly308Val (NM_002977.4); short protein forms G308V.
Identifiers: ClinVar variation 1064184 (VCV001064184.10), dbSNP rs2106506537, ClinGen allele CA349089761.
Genomic context (GRCh38, chr2:166,294,641, plus strand): 5'-AAAACAAATATTACATACCCTGAATCTGTGCTGAAACCACAAAGGAGAGCATCTTTGGAT[C>A]CTTCCAAGTAATAAAAATATTCTGTTGAAGAAGAATTTGAACAGTTATAACATCACAGAC-3'
Protein context (NP_001352465.1, residues 298-318): DFRKYFYYLE[Gly308Val]SKDALLCGFS